The following is an entry in ClinVar:

NM_001042492.3(NF1):c.7870-1G>A

Gene: NF1 (neurofibromin 1; plus strand). Cytogenetic location: 17q11.2.
Variant type: single nucleotide variant.
Coding change: c.7870-1G>A on transcript NM_001042492.3 (MANE Select); the canonical splice acceptor site of the intron before coding-DNA position 7870, G replaced by A.
Molecular consequence: splice acceptor variant.
Genome position (GRCh38, 1-based): chr17:31,357,268, G>A. VCF-style: chr17-31357268-G-A. GRCh37 (hg19) VCF-style: chr17-29684286-G-A.
Other names: c.7807-1G>A (NM_000267.4).
Identifiers: ClinVar variation 572065 (VCV000572065.7), dbSNP rs1567627138, ClinGen allele CA399018752.

ClinVar aggregate classification (germline): Pathogenic (1 of 4 stars; one submission).
ClinVar aggregate classification (oncogenicity): Likely oncogenic (1 of 4 stars; one submission).

Conditions:
Neurofibromatosis, type 1 (NF1). Also called: Peripheral type neurofibromatosis; VON RECKLINGHAUSEN DISEASE; Neurofibromatosis, type I; NEUROFIBROMATOSIS, TYPE I, SOMATIC. Identifiers: Orphanet 636, MedGen C0027831, MONDO:0018975, OMIM 162200. Disease mechanism: loss of function.
Neoplasm. Also called: tumor; Neoplasms; Neoplasm (disease). Identifiers: MedGen C0027651, MeSH D009369, MONDO:0005070, HP:0002664.

Submissions (2):

Center for Genomic Medicine, Rigshospitalet, Copenhagen University Hospital
Classification: Likely oncogenic for Neoplasm. Last evaluated: 2025-12-29. Review status: criteria provided, single submitter. Criteria: ClinGen/CGC/VICC Guidelines for Oncogenicity, 2022. Collection method: clinical testing. Allele origin: somatic. Affected: yes.

Labcorp Genetics (formerly Invitae), Labcorp
Classification: Pathogenic for Neurofibromatosis, type 1. Last evaluated: 2022-11-15. Review status: criteria provided, single submitter. Criteria: Invitae Variant Classification Sherloc (09022015). Collection method: clinical testing. Allele origin: germline.
Comment: For these reasons, this variant has been classified as Pathogenic. Algorithms developed to predict the effect of sequence changes on RNA splicing suggest that this variant may disrupt the consensus splice site. ClinVar contains an entry for this variant (Variation ID: 572065). Disruption of this splice site has been observed in individual(s) with clinical features of neurofibromatosis type 1 (Invitae). This variant is not present in population databases (gnomAD no frequency). This sequence change affects an acceptor splice site in intron 52 of the NF1 gene. It is expected to disrupt RNA splicing. Variants that disrupt the donor or acceptor splice site typically lead to a loss of protein function (PMID: 16199547), and loss-of-function variants in NF1 are known to be pathogenic (PMID: 10712197, 23913538).

Literature cited by the submitters: PubMed 28637487 (cited by Center for Genomic Medicine, Rigshospitalet, Copenhagen University Hospital); PubMed 16199547 (cited by Labcorp Genetics (formerly Invitae), Labcorp); PubMed 10712197 (cited by Labcorp Genetics (formerly Invitae), Labcorp); PubMed 23913538 (cited by Labcorp Genetics (formerly Invitae), Labcorp).